The following is an entry in ClinVar:

NM_145045.5(ODAD3):c.809A>G (p.Gln270Arg)

Gene: ODAD3 (outer dynein arm docking complex subunit 3; minus strand). Cytogenetic location: 19p13.2.
Variant type: single nucleotide variant.
Coding change: c.809A>G on transcript NM_145045.5 (MANE Select); coding-DNA position 809, A replaced by G.
Protein change: p.Gln270Arg; replaces glutamine 270 with arginine.
Molecular consequence: missense variant.
Genome position (GRCh38, 1-based): chr19:11,426,477, T>C on the plus strand (A>G on the coding strand, the complement: ODAD3 is on the minus strand). VCF-style: chr19-11426477-T-C. GRCh37 (hg19) VCF-style: chr19-11537297-T-C.
Other names: c.647A>G, p.Gln216Arg (NM_001302453.1); c.629A>G, p.Gln210Arg (NM_001302454.2); short protein forms Q210R, Q270R, Q216R.
Identifiers: ClinVar variation 664574 (VCV000664574.6), dbSNP rs1326979360, ClinGen allele CA404123495.

ClinVar aggregate classification (germline): Uncertain significance (1 of 4 stars; one submission).

Conditions:
Primary ciliary dyskinesia 30. Also called: CILIARY DYSKINESIA, PRIMARY, 30, WITH OR WITHOUT SITUS INVERSUS. Identifiers: Orphanet 244, MedGen C4015016, MONDO:0014465, OMIM 616037.

Allele frequency attached by ClinVar (database versions not stated): gnomAD exomes below 0.00001.

Submission:

Labcorp Genetics (formerly Invitae), Labcorp
Classification: Uncertain significance for Primary ciliary dyskinesia 30. Last evaluated: 2021-08-31. Review status: criteria provided, single submitter. Criteria: Invitae Variant Classification Sherloc (09022015). Collection method: clinical testing. Allele origin: germline.
Comment: This sequence change replaces glutamine with arginine at codon 270 of the CCDC151 protein (p.Gln270Arg). The glutamine residue is moderately conserved and there is a small physicochemical difference between glutamine and arginine. This variant is not present in population databases (ExAC no frequency). This variant has not been reported in the literature in individuals affected with CCDC151-related conditions. Algorithms developed to predict the effect of missense changes on protein structure and function (SIFT, PolyPhen-2, Align-GVGD) all suggest that this variant is likely to be tolerated. In summary, the available evidence is currently insufficient to determine the role of this variant in disease. Therefore, it has been classified as a Variant of Uncertain Significance.